The following is an entry in ClinVar:

NM_000038.6(APC):c.2590C>T (p.His864Tyr)

Gene: APC (APC regulator of Wnt signaling pathway; plus strand). Cytogenetic location: 5q22.2.
Variant type: single nucleotide variant.
Coding change: c.2590C>T on transcript NM_000038.6 (MANE Select); coding-DNA position 2590, C replaced by T.
Protein change: p.His864Tyr; replaces histidine 864 with tyrosine.
Molecular consequence: missense variant.
Genome position (GRCh38, 1-based): chr5:112,838,184, C>T. VCF-style: chr5-112838184-C-T. GRCh37 (hg19) VCF-style: chr5-112173881-C-T.
Other names: c.2590C>T (NM_000038.5); c.2590C>T, p.His864Tyr (NM_001127510.3, NM_001354895.2); c.2536C>T, p.His846Tyr (NM_001127511.3); c.2644C>T, p.His882Tyr (NM_001354896.2); c.2620C>T, p.His874Tyr (NM_001354897.2); c.2515C>T, p.His839Tyr (NM_001354898.2); c.2506C>T, p.His836Tyr (NM_001354899.2); c.2467C>T, p.His823Tyr (NM_001354900.2); and 6 more; short protein forms H581Y, H773Y, H805Y, H823Y, H836Y, H882Y, H738Y, H864Y.
Identifiers: ClinVar variation 1476039 (VCV001476039.8), dbSNP rs772211112, ClinGen allele CA16027004.

ClinVar aggregate classification (germline): Uncertain significance. Review status: criteria provided, multiple submitters, no conflicts (2 of 4 stars). 3 submissions from 3 submitters: Uncertain significance (3). Last evaluated 2025-06-17.

Conditions:
Hereditary cancer-predisposing syndrome. Also called: Neoplastic Syndromes, Hereditary; Hereditary Cancer Syndrome; Tumor predisposition; Hereditary neoplastic syndrome. Identifiers: Orphanet 140162, MedGen C0027672, MeSH D009386, MONDO:0015356.
Familial adenomatous polyposis 1 (FAP1). Also called: FAMILIAL ADENOMATOUS POLYPOSIS 1, ATTENUATED; POLYPOSIS, ADENOMATOUS INTESTINAL. Identifiers: MedGen C2713442, MONDO:0021056, OMIM 175100. Disease mechanism: loss of function.

Allele frequency attached by ClinVar (database versions not stated): TOPMed below 0.00001.

Submissions (3):

Color Diagnostics, LLC DBA Color Health
Classification: Uncertain significance for Hereditary cancer-predisposing syndrome. Last evaluated: 2025-06-17. Review status: criteria provided, single submitter. Criteria: ACMG Guidelines, 2015. Collection method: clinical testing. Allele origin: germline.
Comment: This missense variant replaces histidine with tyrosine at codon 864 of the APC protein. Computational prediction suggests that this variant may not impact protein structure and function. To our knowledge, functional studies have not been reported for this variant. This variant has not been reported in individuals affected with APC-related disorders in the literature. This variant has not been identified in the general population by the Genome Aggregation Database (gnomAD). The available evidence is insufficient to determine the role of this variant in disease conclusively. Therefore, this variant is classified as a Variant of Uncertain Significance.

Ambry Genetics
Classification: Uncertain significance for Hereditary cancer-predisposing syndrome. Last evaluated: 2024-04-17. Review status: criteria provided, single submitter. Criteria: Ambry Variant Classification Scheme 2023. Collection method: clinical testing. Allele origin: germline.
Comment: The p.H864Y variant (also known as c.2590C>T), located in coding exon 15 of the APC gene, results from a C to T substitution at nucleotide position 2590. The histidine at codon 864 is replaced by tyrosine, an amino acid with similar properties. Missense alterations in APC are not a common cause of disease (Spier I et al. Genet Med. 2024 Feb;26(2):100992).This amino acid position is well conserved in available vertebrate species. In addition, in silico predictors for this gene do not accurately predict pathogenicity. Based on the available evidence, the clinical significance of this variant remains unclear.

Labcorp Genetics (formerly Invitae), Labcorp
Classification: Uncertain significance for Familial adenomatous polyposis 1. Last evaluated: 2023-08-25. Review status: criteria provided, single submitter. Criteria: Invitae Variant Classification Sherloc (09022015). Collection method: clinical testing. Allele origin: germline.
Comment: This sequence change replaces histidine, which is basic and polar, with tyrosine, which is neutral and polar, at codon 864 of the APC protein (p.His864Tyr). This variant is not present in population databases (gnomAD no frequency). This variant has not been reported in the literature in individuals affected with APC-related conditions. ClinVar contains an entry for this variant (Variation ID: 1476039). Advanced modeling of protein sequence and biophysical properties (such as structural, functional, and spatial information, amino acid conservation, physicochemical variation, residue mobility, and thermodynamic stability) performed at Invitae indicates that this missense variant is not expected to disrupt APC protein function. In summary, the available evidence is currently insufficient to determine the role of this variant in disease. Therefore, it has been classified as a Variant of Uncertain Significance.